The following is an entry in ClinVar:

NM_024928.5(STN1):c.949+1G>A

Gene: STN1 (STN1 subunit of CST complex; minus strand). Cytogenetic location: 10q24.33.
Variant type: single nucleotide variant.
Coding change: c.949+1G>A on transcript NM_024928.5 (MANE Select); the canonical splice donor site of the intron after coding-DNA position 949, G replaced by A.
Molecular consequence: splice donor variant.
Genome position (GRCh38, 1-based): chr10:103,889,071, C>T on the plus strand (G>A on the coding strand, the complement: STN1 is on the minus strand). VCF-style: chr10-103889071-C-T. GRCh37 (hg19) VCF-style: chr10-105648829-C-T.
Identifiers: ClinVar variation 1350411 (VCV001350411.3), dbSNP rs755596138, ClinGen allele CA5676459.

ClinVar aggregate classification (germline): Uncertain significance (1 of 4 stars; one submission).

Allele frequency attached by ClinVar (database versions not stated): ExAC 0.00003.
gnomAD v4.1: 33 of 1,608,332 alleles (0.0021%); highest among the groups gnomAD compares: Admixed American, 0.0033%; no homozygotes.

Submission:

Labcorp Genetics (formerly Invitae), Labcorp
Classification: Uncertain significance. Last evaluated: 2022-10-17. Review status: criteria provided, single submitter. Criteria: Invitae Variant Classification Sherloc (09022015). Collection method: clinical testing. Allele origin: germline.
Comment: This sequence change falls in intron 9 of the STN1 gene. It does not directly change the encoded amino acid sequence of the STN1 protein. It affects a nucleotide within the consensus splice site. This variant is present in population databases (rs755596138, gnomAD 0.01%). This variant has not been reported in the literature in individuals affected with STN1-related conditions. ClinVar contains an entry for this variant (Variation ID: 1350411). Variants that disrupt the consensus splice site are a relatively common cause of aberrant splicing (PMID: 17576681, 9536098). Algorithms developed to predict the effect of sequence changes on RNA splicing suggest that this variant may disrupt the consensus splice site. In summary, the available evidence is currently insufficient to determine the role of this variant in disease. Therefore, it has been classified as a Variant of Uncertain Significance.

Literature cited by the submitters: PubMed 17576681; PubMed 9536098.